The following is an entry in ClinVar:

NM_016239.4(MYO15A):c.2461C>T (p.Gln821Ter)

Gene: MYO15A (myosin XVA; plus strand). Cytogenetic location: 17p11.2.
Variant type: single nucleotide variant.
Coding change: c.2461C>T on transcript NM_016239.4 (MANE Select); coding-DNA position 2461, C replaced by T.
Protein change: p.Gln821Ter; replaces glutamine 821 with a stop codon.
Molecular consequence: nonsense.
Genome position (GRCh38, 1-based): chr17:18,121,261, C>T. VCF-style: chr17-18121261-C-T. GRCh37 (hg19) VCF-style: chr17-18024575-C-T.
Other names: short protein forms Q821*.
Identifiers: ClinVar variation 2962120 (VCV002962120.3), dbSNP rs2545187690, ClinGen allele CA398584283.

ClinVar aggregate classification (germline): Pathogenic (1 of 4 stars; one submission).

Submission:

Labcorp Genetics (formerly Invitae), Labcorp
Classification: Pathogenic. Last evaluated: 2023-07-17. Review status: criteria provided, single submitter. Criteria: Invitae Variant Classification Sherloc (09022015). Collection method: clinical testing. Allele origin: germline.
Comment: This sequence change creates a premature translational stop signal (p.Gln821*) in the MYO15A gene. It is expected to result in an absent or disrupted protein product. Loss-of-function variants in MYO15A are known to be pathogenic (PMID: 17546645). This variant is not present in population databases (gnomAD no frequency). This variant has not been reported in the literature in individuals affected with MYO15A-related conditions. For these reasons, this variant has been classified as Pathogenic.

Literature cited by the submitters: PubMed 17546645.